The following is an entry in ClinVar:

ClinVar aggregate classification (germline): Uncertain significance (1 of 4 stars; one submission).

Conditions:
Hereditary sensory and autonomic neuropathy type 7. Also called: HSAN VII; Neuropathy, hereditary sensory and autonomic, type VII. Identifiers: Orphanet 391397, MedGen C3809882, MONDO:0014244, OMIM 615548.
Familial episodic pain syndrome with predominantly lower limb involvement. Also called: Episodic pain syndrome, familial, 3. Identifiers: Orphanet 391384, Orphanet 391392, MedGen C3809899, MONDO:0014247, OMIM 615552.

Submission:

Labcorp Genetics (formerly Invitae), Labcorp
Classification: Uncertain significance for Familial episodic pain syndrome with predominantly lower limb involvement; Hereditary sensory and autonomic neuropathy type 7. Last evaluated: 2021-10-30. Review status: criteria provided, single submitter. Criteria: Invitae Variant Classification Sherloc (09022015). Collection method: clinical testing. Allele origin: germline.
Comment: In summary, the available evidence is currently insufficient to determine the role of this variant in disease. Therefore, it has been classified as a Variant of Uncertain Significance. Algorithms developed to predict the effect of missense changes on protein structure and function (SIFT, PolyPhen-2, Align-GVGD) all suggest that this variant is likely to be tolerated. This variant has not been reported in the literature in individuals affected with SCN11A-related conditions. This variant is not present in population databases (gnomAD no frequency). This sequence change replaces alanine, which is neutral and non-polar, with proline, which is neutral and non-polar, at codon 782 of the SCN11A protein (p.Ala782Pro).

NM_001349253.2(SCN11A):c.2344G>C (p.Ala782Pro)

Gene: SCN11A (sodium voltage-gated channel alpha subunit 11; minus strand). Cytogenetic location: 3p22.2.
Variant type: single nucleotide variant.
Coding change: c.2344G>C on transcript NM_001349253.2 (MANE Select); coding-DNA position 2344, G replaced by C.
Protein change: p.Ala782Pro; replaces alanine 782 with proline.
Molecular consequence: missense variant.
Genome position (GRCh38, 1-based): chr3:38,896,904, C>G on the plus strand (G>C on the coding strand, the complement: SCN11A is on the minus strand). VCF-style: chr3-38896904-C-G. GRCh37 (hg19) VCF-style: chr3-38938395-C-G.
Other names: c.2344G>C, p.Ala782Pro (NM_014139.3); short protein forms A782P.
Identifiers: ClinVar variation 1443199 (VCV001443199.6), dbSNP rs1434033397, ClinGen allele CA352157458.